The following is an entry in ClinVar:

NM_001374828.1(ARID1B):c.608_612delinsTAAACCAGTTC (p.Gln203_Gln204delinsLeuAsnGlnPhe)

Genes: ARID1B (AT-rich interaction domain 1B; plus strand), LOC115308161 (uncharacterized LOC115308161; minus strand). Cytogenetic location: 6q25.3.
Variant type: Indel.
Coding change: c.608_612delinsTAAACCAGTTC on transcript NM_001374828.1 (MANE Select); coding-DNA positions 608 to 612, AGCAA replaced by TAAACCAGTTC.
Protein change: p.Gln203_Gln204delinsLeuAsnGlnPhe.
Molecular consequence: inframe indel. On other transcripts: non-coding transcript variant (1).
Genome position (GRCh38, 1-based): chr6:156,778,288-156,778,292, AGCAA replaced by TAAACCAGTTC. VCF-style: chr6-156778288-AGCAA-TAAACCAGTTC. GRCh37 (hg19) VCF-style: chr6-157099422-AGCAA-TAAACCAGTTC.
Other names: c.608_612delinsTAAACCAGTTC, p.Gln203_Gln204delinsLeuAsnGlnPhe (NM_001371656.1, NM_001374820.1, NM_017519.3); c.359_363delinsTAAACCAGTTC (NM_020732.3).
Identifiers: ClinVar variation 3600585 (VCV003600585.1).

ClinVar aggregate classification (germline): Uncertain significance (1 of 4 stars; one submission).

Submission:

GeneDx
Classification: Uncertain significance. Last evaluated: 2024-07-26. Review status: criteria provided, single submitter. Criteria: GeneDx Variant Classification Process June 2021. Collection method: clinical testing. Allele origin: germline. Affected: yes.
Comment: Not observed at significant frequency in large population cohorts (gnomAD); In-frame deletion of 2 amino acids and in-frame insertion of 4 amino acids in a non-repeat region; In silico analysis supports a deleterious effect on protein structure/function; Has not been previously published as pathogenic or benign to our knowledge